The following is an entry in ClinVar:

ClinVar aggregate classification (germline): Uncertain significance (1 of 4 stars; one submission).

Conditions:
Hereditary cancer-predisposing syndrome. Also called: Neoplastic Syndromes, Hereditary; Tumor predisposition; Hereditary Cancer Syndrome; Hereditary neoplastic syndrome. Identifiers: Orphanet 140162, MedGen C0027672, MeSH D009386, MONDO:0015356.

Submission:

Ambry Genetics
Classification: Uncertain significance for Hereditary cancer-predisposing syndrome. Last evaluated: 2026-02-20. Review status: criteria provided, single submitter. Criteria: Ambry Variant Classification Scheme 2023. Collection method: clinical testing. Allele origin: germline.
Comment: The p.L519I variant (also known as c.1555C>A), located in coding exon 12 of the APC gene, results from a C to A substitution at nucleotide position 1555. The leucine at codon 519 is replaced by isoleucine, an amino acid with highly similar properties. This amino acid position is conserved. In addition, in silico predictors for this gene do not accurately predict pathogenicity. Based on the available evidence, the clinical significance of this variant remains unclear.

NM_000038.6(APC):c.1555C>A (p.Leu519Ile)

Gene: APC (APC regulator of Wnt signaling pathway; plus strand). Cytogenetic location: 5q22.2.
Variant type: single nucleotide variant.
Coding change: c.1555C>A on transcript NM_000038.6 (MANE Select); coding-DNA position 1555, C replaced by A.
Protein change: p.Leu519Ile; replaces leucine 519 with isoleucine.
Molecular consequence: missense variant.
Genome position (GRCh38, 1-based): chr5:112,827,935, C>A. VCF-style: chr5-112827935-C-A. GRCh37 (hg19) VCF-style: chr5-112163632-C-A.
Other names: c.1306C>A, p.Leu436Ile (NM_001407455.1, NM_001407456.1, NM_001407457.1 and 1 more transcripts); c.1252C>A, p.Leu418Ile (NM_001407458.1, NM_001407459.1, NM_001407460.1 and 1 more transcripts); c.1168C>A, p.Leu390Ile (NM_001407467.1, NM_001407469.1); c.706C>A, p.Leu236Ile (NM_001407470.1, NM_001354906.2); c.403C>A, p.Leu135Ile (NM_001407471.1, NM_001407472.1); c.1555C>A, p.Leu519Ile (NM_001127510.3, NM_001354895.2, NM_001407450.1); c.1501C>A, p.Leu501Ile (NM_001127511.3); c.1609C>A, p.Leu537Ile (NM_001354896.2, NM_001407447.1, NM_001407448.1 and 1 more transcripts); and 11 more; short protein forms L509I, L512I, L236I, L390I, L436I, L478I, L501I, L519I.
Identifiers: ClinVar variation 4825060 (VCV004825060.1).
Genomic context (GRCh38, chr5:112,827,935, plus strand): 5'-GCTTGGCTTCAAGTTGTCTTTTTAATGATCCTCTATTCTGTATTTAATTTACAGGCTACG[C>A]TATGCTCTATGAAAGGCTGCATGAGAGCACTTGTGGCCCAACTAAAATCTGAAAGTGAAG-3'
Protein context (NP_000029.2, residues 509-529): TFGDVANKAT[Leu519Ile]CSMKGCMRAL